The following is an entry in ClinVar:

ClinVar aggregate classification (germline): Uncertain significance (1 of 4 stars; one submission).

Conditions:
Neuropathy, hereditary sensory, type 1F. Also called: HSN IF; Hereditary sensory neuropathy type IF. Identifiers: Orphanet 36386, MedGen C3810194, MONDO:0014286, OMIM 615632.

Allele frequency attached by ClinVar (database versions not stated): ExAC 0.00002; gnomAD exomes 0.00002.
gnomAD v4.1: 4 of 1,603,690 alleles (0.00025%); highest among the groups gnomAD compares: South Asian, 0.0034%; no homozygotes.

Submission:

Labcorp Genetics (formerly Invitae), Labcorp
Classification: Uncertain significance for Neuropathy, hereditary sensory, type 1F. Last evaluated: 2021-10-28. Review status: criteria provided, single submitter. Criteria: Invitae Variant Classification Sherloc (09022015). Collection method: clinical testing. Allele origin: germline.
Comment: In summary, the available evidence is currently insufficient to determine the role of this variant in disease. Therefore, it has been classified as a Variant of Uncertain Significance. Algorithms developed to predict the effect of missense changes on protein structure and function (SIFT, PolyPhen-2, Align-GVGD) all suggest that this variant is likely to be disruptive. This sequence change replaces threonine, which is neutral and polar, with isoleucine, which is neutral and non-polar, at codon 164 of the ATL3 protein (p.Thr164Ile). This variant is present in population databases (rs763523407, gnomAD 0.01%). This variant has not been reported in the literature in individuals affected with ATL3-related conditions.

NM_015459.5(ATL3):c.491C>T (p.Thr164Ile)

Genes: ATL3 (atlastin GTPase 3; minus strand), LNCROPM (lncRNA regulator of PLAAT3 mediated phospholipid metabolism; plus strand). Cytogenetic location: 11q13.1.
Variant type: single nucleotide variant.
Coding change: c.491C>T on transcript NM_015459.5 (MANE Select); coding-DNA position 491, C replaced by T.
Protein change: p.Thr164Ile; replaces threonine 164 with isoleucine.
Molecular consequence: missense variant.
Genome position (GRCh38, 1-based): chr11:63,652,490, G>A on the plus strand (C>T on the coding strand, the complement: ATL3 is on the minus strand). VCF-style: chr11-63652490-G-A. GRCh37 (hg19) VCF-style: chr11-63419962-G-A.
Other names: c.437C>T, p.Thr146Ile (NM_001290048.2); short protein forms T164I, T146I.
Identifiers: ClinVar variation 1427909 (VCV001427909.6), dbSNP rs763523407, ClinGen allele CA6063783.